The following is an entry in ClinVar:

ClinVar aggregate classification (germline): Conflicting classifications of pathogenicity. Review status: criteria provided, conflicting classifications (1 of 4 stars). 5 submissions from 5 submitters: Uncertain significance (2); Likely benign (2). 1 of the submissions does not count toward it. Last evaluated 2025-08-31.

Conditions:
Cholestasis, progressive familial intrahepatic, 10 (PFIC10). Identifiers: MedGen C5676981, MONDO:0030810, OMIM 619868.
MYO5B-related disorder. Also called: MYO5B-related condition.
Inflammatory bowel disease 1 (IBD1). Also called: INFLAMMATORY BOWEL DISEASE (CROHN DISEASE) 1; Inflammatory bowel disease 1, Crohn disease. Identifiers: MedGen CN260071, MONDO:0009960, OMIM 266600.

Allele frequency attached by ClinVar (database versions not stated): gnomAD exomes 0.00005 and 0.00021; ExAC 0.00020; 1000 Genomes Project 30x 0.00047.
gnomAD v4.1: 94 of 1,614,194 alleles (0.0058%); highest among the groups gnomAD compares: East Asian, 0.17%; no homozygotes.

Submissions (5):

Labcorp Genetics (formerly Invitae), Labcorp
Classification: Likely benign. Last evaluated: 2025-08-31. Review status: criteria provided, single submitter. Criteria: Invitae Variant Classification Sherloc (09022015). Collection method: clinical testing. Allele origin: germline.

3billion
Classification: Uncertain significance for Cholestasis, progressive familial intrahepatic, 10. Last evaluated: 2025-03-21. Review status: criteria provided, single submitter. Criteria: ACMG Guidelines, 2015. Collection method: clinical testing. Allele origin: germline. Affected: yes.

PreventionGenetics, part of Exact Sciences
Classification: Likely benign for MYO5B-related condition. Last evaluated: 2025-03-15. Review status: criteria provided, single submitter. Criteria: ACMG Guidelines, 2015. Collection method: clinical testing. Allele origin: germline.
Comment: This variant is classified as likely benign based on ACMG/AMP sequence variant interpretation guidelines (Richards et al. 2015 PMID: 25741868, with internal and published modifications).

Blueprint Genetics
Classification: Uncertain significance. Last evaluated: 2024-05-21. Review status: criteria provided, single submitter. Criteria: ACMG Guidelines, 2015. Collection method: clinical testing. Allele origin: germline.

Gastroenterology Laboratory, Children's Hospital of Zhejiang University School of Medicine
Classification: Likely pathogenic for Inflammatory bowel disease 1. Review status: no assertion criteria provided. Collection method: provider interpretation. Allele origin: maternal. Affected: yes. Not counted in ClinVar's aggregate classification.

NM_001080467.3(MYO5B):c.2306T>A (p.Ile769Asn)

Gene: MYO5B (myosin VB; minus strand). Cytogenetic location: 18q21.1.
Variant type: single nucleotide variant.
Coding change: c.2306T>A on transcript NM_001080467.3 (MANE Select); coding-DNA position 2306, T replaced by A.
Protein change: p.Ile769Asn; replaces isoleucine 769 with asparagine.
Molecular consequence: missense variant.
Genome position (GRCh38, 1-based): chr18:49,906,527, A>T on the plus strand (T>A on the coding strand, the complement: MYO5B is on the minus strand). VCF-style: chr18-49906527-A-T. GRCh37 (hg19) VCF-style: chr18-47432897-A-T.
Other names: c.2306T>A (NM_001080467.2); short protein forms I769N.
Identifiers: ClinVar variation 1081281 (VCV001081281.14), dbSNP rs770764473, ClinGen allele CA8961126.